The following is an entry in ClinVar:

NM_001909.5(CTSD):c.68+5A>C

Gene: CTSD (cathepsin D; minus strand). Cytogenetic location: 11p15.5.
Variant type: single nucleotide variant.
Coding change: c.68+5A>C on transcript NM_001909.5 (MANE Select); 5 bases into the intron after coding-DNA position 68, A replaced by C.
Molecular consequence: intron variant.
Genome position (GRCh38, 1-based): chr11:1,763,787, T>G on the plus strand (A>C on the coding strand, the complement: CTSD is on the minus strand). VCF-style: chr11-1763787-T-G. GRCh37 (hg19) VCF-style: chr11-1785017-T-G.
Identifiers: ClinVar variation 2416320 (VCV002416320.4), dbSNP rs1444419430, ClinGen allele CA597430638.

ClinVar aggregate classification (germline): Uncertain significance (1 of 4 stars; one submission).

Conditions:
Neuronal ceroid lipofuscinosis. Also called: Neuronal Ceroid Lipofuscinoses. Identifiers: Orphanet 216, Orphanet 79263, MedGen C0027877, MONDO:0016295. Disease mechanism: loss of function.

Submission:

Labcorp Genetics (formerly Invitae), Labcorp
Classification: Uncertain significance for Neuronal ceroid lipofuscinosis. Last evaluated: 2025-05-12. Review status: criteria provided, single submitter. Criteria: Invitae Variant Classification Sherloc (09022015). Collection method: clinical testing. Allele origin: germline.
Comment: This sequence change falls in intron 1 of the CTSD gene. It does not directly change the encoded amino acid sequence of the CTSD protein. It affects a nucleotide within the consensus splice site. This variant is present in population databases (no rsID available, gnomAD 0.01%). This variant has not been reported in the literature in individuals affected with CTSD-related conditions. ClinVar contains an entry for this variant (Variation ID: 2416320). Variants that disrupt the consensus splice site are a relatively common cause of aberrant splicing (PMID: 17576681, 9536098). Algorithms developed to predict the effect of sequence changes on RNA splicing suggest that this variant is not likely to affect RNA splicing. In summary, the available evidence is currently insufficient to determine the role of this variant in disease. Therefore, it has been classified as a Variant of Uncertain Significance.

Literature cited by the submitters: PubMed 17576681; PubMed 9536098.